The following is an entry in ClinVar:

ClinVar aggregate classification (germline): Uncertain significance (1 of 4 stars; one submission).

Conditions:
Kabuki syndrome. Also called: Kabuki make-up syndrome; NIIKAWA-KUROKI SYNDROME. Identifiers: Orphanet 2322, MedGen C0796004, MONDO:0016512.

Submission:

Labcorp Genetics (formerly Invitae), Labcorp
Classification: Uncertain significance for Kabuki syndrome. Last evaluated: 2024-03-14. Review status: criteria provided, single submitter. Criteria: Invitae Variant Classification Sherloc (09022015). Collection method: clinical testing. Allele origin: germline.
Comment: This sequence change replaces proline, which is neutral and non-polar, with serine, which is neutral and polar, at codon 868 of the KMT2D protein (p.Pro868Ser). This variant is not present in population databases (gnomAD no frequency). This variant has not been reported in the literature in individuals affected with KMT2D-related conditions. Advanced modeling of protein sequence and biophysical properties (such as structural, functional, and spatial information, amino acid conservation, physicochemical variation, residue mobility, and thermodynamic stability) performed at Invitae indicates that this missense variant is not expected to disrupt KMT2D protein function with a negative predictive value of 95%. In summary, the available evidence is currently insufficient to determine the role of this variant in disease. Therefore, it has been classified as a Variant of Uncertain Significance.

NM_003482.4(KMT2D):c.2602C>T (p.Pro868Ser)

Gene: KMT2D (lysine methyltransferase 2D; minus strand). Cytogenetic location: 12q13.12.
Variant type: single nucleotide variant.
Coding change: c.2602C>T on transcript NM_003482.4 (MANE Select); coding-DNA position 2602, C replaced by T.
Protein change: p.Pro868Ser; replaces proline 868 with serine.
Molecular consequence: missense variant.
Genome position (GRCh38, 1-based): chr12:49,051,081, G>A on the plus strand (C>T on the coding strand, the complement: KMT2D is on the minus strand). VCF-style: chr12-49051081-G-A. GRCh37 (hg19) VCF-style: chr12-49444864-G-A.
Other names: short protein forms P868S.
Identifiers: ClinVar variation 3708220 (VCV003708220.2).